The following is an entry in ClinVar:

ClinVar aggregate classification (germline): Likely pathogenic (1 of 4 stars; one submission).

Conditions:
Kabuki syndrome 2 (KABUK2). Also called: KDM6A-Related Kabuki Syndrome. Identifiers: Orphanet 2322, MedGen C3275495, MONDO:0010465, OMIM 300867.

Submission:

Labcorp Genetics (formerly Invitae), Labcorp
Classification: Likely pathogenic for Kabuki syndrome 2. Last evaluated: 2024-10-17. Review status: criteria provided, single submitter. Criteria: Invitae Variant Classification Sherloc (09022015). Collection method: clinical testing. Allele origin: germline.
Comment: This sequence change affects a splice site in intron 7 of the KDM6A gene. It is expected to disrupt RNA splicing. Variants that disrupt the donor or acceptor splice site typically lead to a loss of protein function (PMID: 16199547), and loss-of-function variants in KDM6A are known to be pathogenic (PMID: 23076834, 23913813). This variant is not present in population databases (gnomAD no frequency). This variant has not been reported in the literature in individuals affected with KDM6A-related conditions. In summary, the currently available evidence indicates that the variant is pathogenic, but additional data are needed to prove that conclusively. Therefore, this variant has been classified as Likely Pathogenic.

Literature cited by the submitters: PubMed 16199547; PubMed 23076834; PubMed 23913813.

NM_001291415.2(KDM6A):c.619_619+1dup

Gene: KDM6A (lysine demethylase 6A; plus strand). Cytogenetic location: Xp11.3.
Variant type: Duplication.
Coding change: c.619_619+1dup on transcript NM_001291415.2 (MANE Select); coding-DNA position 619 through the canonical splice donor site of the intron after coding-DNA position 619, 2 bases duplicated (AG; older notation c.619_619+1dupAG).
Molecular consequence: splice donor variant.
Genome position (GRCh38, 1-based): chrX:45,034,985-45,034,986, AG duplicated. VCF-style (leftmost placement, unchanged base first): chrX-45034984-A-AAG. GRCh37 (hg19) VCF-style: chrX-44894229-A-AAG.
Other names: c.619_619+1dup (NM_001419809.1, NM_001419810.1, NM_001419813.1 and 9 more transcripts); c.-135_-135+1dup (NM_001291421.2).
Identifiers: ClinVar variation 3723221 (VCV003723221.2).